The following is an entry in ClinVar:

NM_206933.4(USH2A):c.12019G>A (p.Asp4007Asn)

Gene: USH2A (usherin; minus strand). Cytogenetic location: 1q41.
Variant type: single nucleotide variant.
Coding change: c.12019G>A on transcript NM_206933.4 (MANE Select); coding-DNA position 12019, G replaced by A.
Protein change: p.Asp4007Asn; replaces aspartic acid 4007 with asparagine.
Molecular consequence: missense variant.
Genome position (GRCh38, 1-based): chr1:215,728,077, C>T on the plus strand (G>A on the coding strand, the complement: USH2A is on the minus strand). VCF-style: chr1-215728077-C-T. GRCh37 (hg19) VCF-style: chr1-215901419-C-T.
Other names: short protein forms D4007N.
Identifiers: ClinVar variation 1712203 (VCV001712203.2), dbSNP rs758420991, ClinGen allele CA1393579.

ClinVar aggregate classification (germline): Uncertain significance (1 of 4 stars; one submission).

Allele frequency attached by ClinVar (database versions not stated): gnomAD exomes below 0.00001; TOPMed below 0.00001; ExAC 0.00001.
gnomAD v4.1: 4 of 1,614,106 alleles (0.00025%); highest among the groups gnomAD compares: Non-Finnish European, 0.00034%; no homozygotes.

Submission:

GeneDx
Classification: Uncertain significance. Last evaluated: 2022-04-18. Review status: criteria provided, single submitter. Criteria: GeneDx Variant Classification Process June 2021. Collection method: clinical testing. Allele origin: germline. Affected: yes.
Comment: Not observed at significant frequency in large population cohorts (gnomAD); In silico analysis supports that this missense variant does not alter protein structure/function; Has not been previously published as pathogenic or benign to our knowledge